The following is an entry in ClinVar:

ClinVar aggregate classification (germline): Uncertain significance (1 of 4 stars; one submission).

Conditions:
Atrioventricular septal defect 4 (AVSD4). Identifiers: MedGen C3280781, MONDO:0013747, OMIM 614430.

Submission:

Labcorp Genetics (formerly Invitae), Labcorp
Classification: Uncertain significance for Atrioventricular septal defect 4. Last evaluated: 2024-09-14. Review status: criteria provided, single submitter. Criteria: Invitae Variant Classification Sherloc (09022015). Collection method: clinical testing. Allele origin: germline.
Comment: This sequence change replaces glycine, which is neutral and non-polar, with aspartic acid, which is acidic and polar, at codon 242 of the GATA4 protein (p.Gly242Asp). This variant is not present in population databases (gnomAD no frequency). This variant has not been reported in the literature in individuals affected with GATA4-related conditions. Invitae Evidence Modeling of protein sequence and biophysical properties (such as structural, functional, and spatial information, amino acid conservation, physicochemical variation, residue mobility, and thermodynamic stability) indicates that this missense variant is expected to disrupt GATA4 protein function with a positive predictive value of 80%. In summary, the available evidence is currently insufficient to determine the role of this variant in disease. Therefore, it has been classified as a Variant of Uncertain Significance.

NM_001308093.3(GATA4):c.728G>A (p.Gly243Asp)

Gene: GATA4 (GATA binding protein 4). Cytogenetic location: 8p23.1.
Variant type: single nucleotide variant.
Coding change: c.728G>A on transcript NM_001308093.3 (MANE Select); coding-DNA position 728, G replaced by A.
Protein change: p.Gly243Asp; replaces glycine 243 with aspartic acid.
Molecular consequence: missense variant.
Genome position (GRCh38, 1-based): chr8:11,749,027, G>A. VCF-style: chr8-11749027-G-A. GRCh37 (hg19) VCF-style: chr8-11606536-G-A.
Other names: c.107G>A, p.Gly36Asp (NM_001308094.2, NM_001374273.1, NM_001374274.1); c.725G>A, p.Gly242Asp (NM_002052.5); short protein forms G242D, G36D, G243D.
Identifiers: ClinVar variation 3717039 (VCV003717039.2).